The following is an entry in ClinVar:

ClinVar aggregate classification (germline): Uncertain significance (1 of 4 stars; one submission).

Submission:

Labcorp Genetics (formerly Invitae), Labcorp
Classification: Uncertain significance. Last evaluated: 2023-06-04. Review status: criteria provided, single submitter. Criteria: Invitae Variant Classification Sherloc (09022015). Collection method: clinical testing. Allele origin: germline.
Comment: This sequence change replaces glutamic acid, which is acidic and polar, with lysine, which is basic and polar, at codon 14 of the NEDD4L protein (p.Glu14Lys). This variant is not present in population databases (gnomAD no frequency). This variant has not been reported in the literature in individuals affected with NEDD4L-related conditions. An algorithm developed to predict the effect of missense changes on protein structure and function (PolyPhen-2) suggests that this variant is likely to be tolerated. In summary, the available evidence is currently insufficient to determine the role of this variant in disease. Therefore, it has been classified as a Variant of Uncertain Significance.

NM_001144967.3(NEDD4L):c.40G>A (p.Glu14Lys)

Genes: NEDD4L (NEDD4 like E3 ubiquitin protein ligase; plus strand), LOC130062568 (ATAC-STARR-seq lymphoblastoid silent region 9483; plus strand). Cytogenetic location: 18q21.31.
Variant type: single nucleotide variant.
Coding change: c.40G>A on transcript NM_001144967.3 (MANE Select); coding-DNA position 40, G replaced by A.
Protein change: p.Glu14Lys; replaces glutamic acid 14 with lysine.
Molecular consequence: missense variant.
Genome position (GRCh38, 1-based): chr18:58,044,700, G>A. VCF-style: chr18-58044700-G-A. GRCh37 (hg19) VCF-style: chr18-55711932-G-A.
Other names: c.40G>A, p.Glu14Lys (NM_001243960.2, NM_015277.6); short protein forms E14K.
Identifiers: ClinVar variation 2862346 (VCV002862346.3), dbSNP rs2511609518, ClinGen allele CA402715060.